The following is an entry in ClinVar:

ClinVar aggregate classification (germline): Uncertain significance (1 of 4 stars; one submission).

Submission:

GeneDx
Classification: Uncertain significance. Last evaluated: 2022-09-28. Review status: criteria provided, single submitter. Criteria: GeneDx Variant Classification Process June 2021. Collection method: clinical testing. Allele origin: germline. Affected: yes.
Comment: Not observed at significant frequency in large population cohorts (gnomAD); In silico analysis supports that this missense variant has a deleterious effect on protein structure/function; Has not been previously published as pathogenic or benign to our knowledge

NM_001393769.1(MED12L):c.5938G>A (p.Gly1980Arg)

Gene: MED12L (mediator complex subunit 12L; plus strand). Cytogenetic location: 3q25.1.
Variant type: single nucleotide variant.
Coding change: c.5938G>A on transcript NM_001393769.1 (MANE Select); coding-DNA position 5938, G replaced by A.
Protein change: p.Gly1980Arg; replaces glycine 1980 with arginine.
Molecular consequence: missense variant.
Genome position (GRCh38, 1-based): chr3:151,411,305, G>A. VCF-style: chr3-151411305-G-A. GRCh37 (hg19) VCF-style: chr3-151129093-G-A.
Other names: c.5833G>A, p.Gly1945Arg (NM_053002.6); short protein forms G1945R, G1980R.
Identifiers: ClinVar variation 2446524 (VCV002446524.1), dbSNP rs2474208245, ClinGen allele CA354981196.